The following is an entry in ClinVar:

NM_001195305.3(BBIP1):c.139A>G (p.Thr47Ala)

Gene: BBIP1 (BBSome interacting protein 1; minus strand). Cytogenetic location: 10q25.2.
Variant type: single nucleotide variant.
Coding change: c.139A>G on transcript NM_001195305.3 (MANE Select); coding-DNA position 139, A replaced by G.
Protein change: p.Thr47Ala; replaces threonine 47 with alanine.
Molecular consequence: missense variant.
Genome position (GRCh38, 1-based): chr10:110,900,500, T>C on the plus strand (A>G on the coding strand, the complement: BBIP1 is on the minus strand). VCF-style: chr10-110900500-T-C. GRCh37 (hg19) VCF-style: chr10-112660258-T-C.
Other names: c.296A>G, p.Asp99Gly (NM_001195304.2); c.139A>G, p.Thr47Ala (NM_001195306.2); c.64A>G, p.Thr22Ala (NM_001195307.2); c.73A>G, p.Thr25Ala (NM_001243783.3); short protein forms D99G, T22A, T25A, T47A.
Identifiers: ClinVar variation 3662182 (VCV003662182.2).
Genomic context (GRCh38, chr10:110,900,500, plus strand): 5'-CTAGTTTTTCCAGAGTCAGAGATTTTAAGGGTAAAAGTTTGGGTTTACACAGCACCATTG[T>C]CATTATATCTTCCACAAACAGTGGCCCTAAGTTTAACAAGAAATAAGAATTAATTCAAGA-3'
Protein context (NP_001182234.1, residues 37-57): QGPLFVEDIM[Thr47Ala]MVLCKPKLLP

ClinVar aggregate classification (germline): Uncertain significance (1 of 4 stars; one submission).

Submission:

Labcorp Genetics (formerly Invitae), Labcorp
Classification: Uncertain significance. Last evaluated: 2024-08-12. Review status: criteria provided, single submitter. Criteria: Invitae Variant Classification Sherloc (09022015). Collection method: clinical testing. Allele origin: germline.
Comment: This sequence change replaces threonine, which is neutral and polar, with alanine, which is neutral and non-polar, at codon 47 of the BBIP1 protein (p.Thr47Ala). This variant is not present in population databases (gnomAD no frequency). This variant has not been reported in the literature in individuals affected with BBIP1-related conditions. An algorithm developed to predict the effect of missense changes on protein structure and function (PolyPhen-2) suggests that this variant is likely to be tolerated. In summary, the available evidence is currently insufficient to determine the role of this variant in disease. Therefore, it has been classified as a Variant of Uncertain Significance.